The following is an entry in ClinVar:

ClinVar aggregate classification (germline): Uncertain significance (1 of 4 stars; one submission).

Conditions:
Dyskeratosis congenita. Identifiers: Orphanet 1775, MedGen C0265965, MONDO:0015780.

Submission:

Labcorp Genetics (formerly Invitae), Labcorp
Classification: Uncertain significance for Dyskeratosis congenita. Last evaluated: 2020-06-20. Review status: criteria provided, single submitter. Criteria: Invitae Variant Classification Sherloc (09022015). Collection method: clinical testing. Allele origin: germline.
Comment: In summary, the available evidence is currently insufficient to determine the role of this variant in disease. Therefore, it has been classified as a Variant of Uncertain Significance. Algorithms developed to predict the effect of missense changes on protein structure and function are either unavailable or do not agree on the potential impact of this missense change (SIFT: "Deleterious"; PolyPhen-2: "Probably Damaging"; Align-GVGD: "Class C0"). This variant has not been reported in the literature in individuals with CTC1-related conditions. This variant is not present in population databases (ExAC no frequency). This sequence change replaces serine with cysteine at codon 836 of the CTC1 protein (p.Ser836Cys). The serine residue is moderately conserved and there is a moderate physicochemical difference between serine and cysteine.

NM_025099.6(CTC1):c.2507C>G (p.Ser836Cys)

Gene: CTC1 (CST telomere replication complex component 1; minus strand). Cytogenetic location: 17p13.1.
Variant type: single nucleotide variant.
Coding change: c.2507C>G on transcript NM_025099.6 (MANE Select); coding-DNA position 2507, C replaced by G.
Protein change: p.Ser836Cys; replaces serine 836 with cysteine.
Molecular consequence: missense variant. On other transcripts: non-coding transcript variant (1).
Genome position (GRCh38, 1-based): chr17:8,231,438, G>C on the plus strand (C>G on the coding strand, the complement: CTC1 is on the minus strand). VCF-style: chr17-8231438-G-C. GRCh37 (hg19) VCF-style: chr17-8134756-G-C.
Other names: short protein forms S836C.
Identifiers: ClinVar variation 1043999 (VCV001043999.8), dbSNP rs1987214622, ClinGen allele CA397976212.
Genomic context (GRCh38, chr17:8,231,438, plus strand): 5'-TCCTGGACAGTGAGGCAGGATGCACAGCCAGCCAACTCCAGAGGACGCCGAGATATGCAG[G>C]ATGAACCATCCTTTTCAAACAACATTGGTGTCTGCACGGAAATGGGAAGACGACTGCCTG-3'
Protein context (NP_079375.3, residues 826-846): TPMLFEKDGS[Ser836Cys]CISRRPLELA